The following is an entry in ClinVar:

NM_014727.3(KMT2B):c.5605A>C (p.Asn1869His)

Gene: KMT2B (lysine methyltransferase 2B; plus strand). Cytogenetic location: 19q13.12.
Variant type: single nucleotide variant.
Coding change: c.5605A>C on transcript NM_014727.3 (MANE Select); coding-DNA position 5605, A replaced by C.
Protein change: p.Asn1869His; replaces asparagine 1869 with histidine.
Molecular consequence: missense variant.
Genome position (GRCh38, 1-based): chr19:35,732,075, A>C. VCF-style: chr19-35732075-A-C. GRCh37 (hg19) VCF-style: chr19-36222976-A-C.
Other names: short protein forms N1869H.
Identifiers: ClinVar variation 2829892 (VCV002829892.3), dbSNP rs2513349374, ClinGen allele CA405422464.

ClinVar aggregate classification (germline): Uncertain significance (1 of 4 stars; one submission).

Submission:

Labcorp Genetics (formerly Invitae), Labcorp
Classification: Uncertain significance. Last evaluated: 2023-01-25. Review status: criteria provided, single submitter. Criteria: Invitae Variant Classification Sherloc (09022015). Collection method: clinical testing. Allele origin: germline.
Comment: In summary, the available evidence is currently insufficient to determine the role of this variant in disease. Therefore, it has been classified as a Variant of Uncertain Significance. Advanced modeling of protein sequence and biophysical properties (such as structural, functional, and spatial information, amino acid conservation, physicochemical variation, residue mobility, and thermodynamic stability) has been performed at Invitae for this missense variant, however the output from this modeling did not meet the statistical confidence thresholds required to predict the impact of this variant on KMT2B protein function. This variant has not been reported in the literature in individuals affected with KMT2B-related conditions. This variant is not present in population databases (gnomAD no frequency). This sequence change replaces asparagine, which is neutral and polar, with histidine, which is basic and polar, at codon 1869 of the KMT2B protein (p.Asn1869His).